The following is an entry in ClinVar:

ClinVar aggregate classification (germline): Uncertain significance (0 of 4 stars; one submission).

Conditions:
SEMA3A-related disorder. Also called: SEMA3A-related condition.

gnomAD v4.1: 6 of 1,613,864 alleles (0.00037%); highest among the groups gnomAD compares: African/African-American, 0.0013%; no homozygotes.

Submission:

PreventionGenetics, part of Exact Sciences
Classification: Uncertain significance for SEMA3A-related condition. Last evaluated: 2024-08-22. Review status: no assertion criteria provided. Collection method: clinical testing. Allele origin: germline.
Comment: The SEMA3A c.2188C>T variant is predicted to result in premature protein termination (p.Arg730*). To our knowledge, this variant has not been reported in the literature. This variant is reported in 0.0062% of alleles in individuals of African descent in gnomAD. This variant is located near the end of the terminal exon, and no other causative early termination changes have been reported nearby or downstream. At this time, the clinical significance of this variant is uncertain due to the absence of conclusive functional and genetic evidence.

NM_006080.3(SEMA3A):c.2188C>T (p.Arg730Ter)

Gene: SEMA3A (semaphorin 3A; minus strand). Cytogenetic location: 7q21.11.
Variant type: single nucleotide variant.
Coding change: c.2188C>T on transcript NM_006080.3 (MANE Select); coding-DNA position 2188, C replaced by T.
Protein change: p.Arg730Ter; replaces arginine 730 with a stop codon.
Molecular consequence: nonsense.
Genome position (GRCh38, 1-based): chr7:83,961,499, G>A on the plus strand (C>T on the coding strand, the complement: SEMA3A is on the minus strand). VCF-style: chr7-83961499-G-A. GRCh37 (hg19) VCF-style: chr7-83590815-G-A.
Other names: short protein forms R730*.
Identifiers: ClinVar variation 3344183 (VCV003344183.1).